The following is an entry in ClinVar:

ClinVar aggregate classification (germline): Benign (1 of 4 stars; one submission).

Allele frequency attached by ClinVar (database versions not stated): 1000 Genomes Project 0.23343; 1000 Genomes Project 30x 0.24001; gnomAD 0.31404 and 0.32064; TOPMed 0.31548.
gnomAD v4.1: 47,768 of 152,158 alleles (31%); highest among the groups gnomAD compares: Middle Eastern, 40%; 8,022 homozygotes.

Submission:

GeneDx
Classification: Benign. Last evaluated: 2018-06-14. Review status: criteria provided, single submitter. Criteria: GeneDx Variant Classification (06012015). Collection method: clinical testing. Allele origin: germline. Affected: yes.
Comment: This variant is considered likely benign or benign based on one or more of the following criteria: it is a conservative change, it occurs at a poorly conserved position in the protein, it is predicted to be benign by multiple in silico algorithms, and/or has population frequency not consistent with disease.

NM_000282.4(PCCA):c.2040+172C>T

Gene: PCCA (propionyl-CoA carboxylase subunit alpha; plus strand). Cytogenetic location: 13q32.3.
Variant type: single nucleotide variant.
Coding change: c.2040+172C>T on transcript NM_000282.4 (MANE Select); 172 bases into the intron after coding-DNA position 2040, C replaced by T.
Molecular consequence: intron variant.
Genome position (GRCh38, 1-based): chr13:100,515,739, C>T. VCF-style: chr13-100515739-C-T. GRCh37 (hg19) VCF-style: chr13-101167993-C-T.
Other names: c.1900-11936C>T (NM_001178004.2); c.1986+172C>T (NM_001352605.2); c.1896+172C>T (NM_001352606.2); c.1095+172C>T (NM_001352610.2); c.1041+172C>T (NM_001352611.2); c.951+172C>T (NM_001352612.2); c.1962+172C>T (NM_001127692.3); c.1822-11936C>T (NM_001352607.2); and 1 more.
Identifiers: ClinVar variation 683342 (VCV000683342.1), dbSNP rs837286, ClinGen allele CA13866687.